The following is an entry in ClinVar:

NM_001303256.3(MORC2):c.2564C>T (p.Pro855Leu)

Gene: MORC2 (MORC family CW-type zinc finger 2; minus strand). Cytogenetic location: 22q12.2.
Variant type: single nucleotide variant.
Coding change: c.2564C>T on transcript NM_001303256.3 (MANE Select); coding-DNA position 2564, C replaced by T.
Protein change: p.Pro855Leu; replaces proline 855 with leucine.
Molecular consequence: missense variant.
Genome position (GRCh38, 1-based): chr22:30,932,728, G>A on the plus strand (C>T on the coding strand, the complement: MORC2 is on the minus strand). VCF-style: chr22-30932728-G-A. GRCh37 (hg19) VCF-style: chr22-31328715-G-A.
Other names: c.2564C>T, p.Pro855Leu (NM_001303257.2); c.2378C>T, p.Pro793Leu (NM_014941.3); short protein forms P793L, P855L.
Identifiers: ClinVar variation 4987133 (VCV004987133.1).

ClinVar aggregate classification (germline): Uncertain significance (1 of 4 stars; one submission).

Conditions:
MORC2-related disorder. Also called: MORC2-related condition.

gnomAD v4.1: 31 of 1,614,056 alleles (0.0019%); highest among the groups gnomAD compares: African/African-American, 0.0053%; no homozygotes.

Submission:

PreventionGenetics, part of Exact Sciences
Classification: Uncertain significance for MORC2-related condition. Last evaluated: 2026-05-05. Review status: criteria provided, single submitter. Criteria: ACMG Guidelines, 2015. Collection method: clinical testing. Allele origin: germline.
Comment: The MORC2 c.2564C>T variant is predicted to result in the amino acid substitution p.Pro855Leu. To our knowledge, this variant has not been reported in the literature. This variant is reported in 0.012% of alleles in individuals of African descent in gnomAD. At this time, the clinical significance of this variant is uncertain due to the absence of conclusive functional and genetic evidence.